The following is an entry in ClinVar:

NM_023036.6(DNAI2):c.1723-1G>T

Gene: DNAI2 (dynein axonemal intermediate chain 2; plus strand). Cytogenetic location: 17q25.1.
Variant type: single nucleotide variant.
Coding change: c.1723-1G>T on transcript NM_023036.6 (MANE Select); the canonical splice acceptor site of the intron before coding-DNA position 1723, G replaced by T.
Molecular consequence: splice acceptor variant.
Genome position (GRCh38, 1-based): chr17:74,314,120, G>T. VCF-style: chr17-74314120-G-T. GRCh37 (hg19) VCF-style: chr17-72310259-G-T.
Other names: c.1855-1G>T (NM_001353167.2); c.1687-1G>T (NM_001172810.3).
Identifiers: ClinVar variation 551962 (VCV000551962.22), dbSNP rs201909971, ClinGen allele CA8745910.

ClinVar aggregate classification (germline): Conflicting classifications of pathogenicity. Review status: criteria provided, conflicting classifications (1 of 4 stars). 6 submissions from 6 submitters: Uncertain significance (3); Likely benign (1). 2 of the submissions do not count toward it. Last evaluated 2025-12-24.

Conditions:
Primary ciliary dyskinesia. Also called: Ciliary dyskinesia. Identifiers: Orphanet 244, MedGen C0008780, MONDO:0016575, HP:0012265.
Primary ciliary dyskinesia 9. Also called: CILIARY DYSKINESIA, PRIMARY, 9, WITH OR WITHOUT SITUS INVERSUS. Identifiers: Orphanet 244, MedGen C2676235, MONDO:0012906, OMIM 612444.

Allele frequency attached by ClinVar (database versions not stated): ESP Exome Variant Server 0.00008; gnomAD 0.00020 and 0.00021; TOPMed 0.00027; 1000 Genomes Project 0.00040; 1000 Genomes Project 30x 0.00047.
gnomAD v4.1: 216 of 1,613,984 alleles (0.013%); highest among the groups gnomAD compares: Admixed American, 0.053%; no homozygotes.

Submissions (6):

Labcorp Genetics (formerly Invitae), Labcorp
Classification: Likely benign for Primary ciliary dyskinesia. Last evaluated: 2025-12-24. Review status: criteria provided, single submitter. Criteria: Invitae Variant Classification Sherloc (09022015). Collection method: clinical testing. Allele origin: germline.

Ambry Genetics
Classification: Uncertain significance for Primary ciliary dyskinesia. Last evaluated: 2025-04-23. Review status: criteria provided, single submitter. Criteria: Ambry Variant Classification Scheme 2023. Collection method: clinical testing. Allele origin: germline.
Comment: The c.1723-1G>T intronic variant results from a G to T substitution one nucleotide upstream from coding exon 12 of the DNAI2 gene. This alteration occurs at the 3' terminus of the DNAI2 gene, is not expected to trigger nonsense-mediated mRNA decay, and only impacts the last 5% of the protein. The exact functional effect of this alteration is unknown. Based on data from gnomAD, the frequency for this variant is above the maximum credible frequency for a disease-causing variant in this gene based on internally established thresholds (Karczewski et al. Nature. 2020 May;581(7809):434-443; Whiffin et al. Genet Med. 2017 10;19:1151-1158). This nucleotide position is well conserved in available vertebrate species. In silico splice site analysis predicts that this alteration will weaken the native splice acceptor site. Since supporting evidence is conflicting at this time, the clinical significance of this alteration remains unclear.

Blueprint Genetics
Classification: Uncertain significance. Last evaluated: 2024-08-19. Review status: criteria provided, single submitter. Criteria: ACMG Guidelines, 2015. Collection method: clinical testing. Allele origin: germline.

GeneDx
Classification: Uncertain significance. Last evaluated: 2023-10-25. Review status: criteria provided, single submitter. Criteria: GeneDx Variant Classification Process June 2021. Collection method: clinical testing. Allele origin: germline. Affected: yes.
Comment: Canonical splice site variant predicted to result in an in-frame loss of the adjacent exon in a gene for which loss of function is a known mechanism of disease; Has not been previously published as pathogenic or benign to our knowledge; This variant is associated with the following publications: (PMID: 31589614)

Natera, Inc.
Classification: Uncertain significance for Primary ciliary dyskinesia. Last evaluated: 2020-01-10. Review status: no assertion criteria provided. Collection method: clinical testing. Allele origin: germline. Not counted in ClinVar's aggregate classification.

Counsyl
Classification: Likely pathogenic for Primary ciliary dyskinesia 9. Last evaluated: 2017-05-12. Review status: no assertion criteria provided. Collection method: clinical testing. Allele origin: unknown. Not counted in ClinVar's aggregate classification.